The following is an entry in ClinVar:

ClinVar aggregate classification (germline): Uncertain significance (1 of 4 stars; one submission).

gnomAD v4.1: 3 of 1,612,662 alleles (0.00019%); highest among the groups gnomAD compares: Non-Finnish European, 0.00017%; no homozygotes.

Submission:

Labcorp Genetics (formerly Invitae), Labcorp
Classification: Uncertain significance. Last evaluated: 2024-03-19. Review status: criteria provided, single submitter. Criteria: Invitae Variant Classification Sherloc (09022015). Collection method: clinical testing. Allele origin: germline.
Comment: This sequence change replaces histidine, which is basic and polar, with arginine, which is basic and polar, at codon 533 of the TRIM8 protein (p.His533Arg). This variant is present in population databases (no rsID available, gnomAD 0.0009%). This variant has not been reported in the literature in individuals affected with TRIM8-related conditions. An algorithm developed to predict the effect of missense changes on protein structure and function (PolyPhen-2) suggests that this variant is likely to be tolerated. In summary, the available evidence is currently insufficient to determine the role of this variant in disease. Therefore, it has been classified as a Variant of Uncertain Significance.

NM_030912.3(TRIM8):c.1598A>G (p.His533Arg)

Gene: TRIM8 (tripartite motif containing 8; plus strand). Cytogenetic location: 10q24.32.
Variant type: single nucleotide variant.
Coding change: c.1598A>G on transcript NM_030912.3 (MANE Select); coding-DNA position 1598, A replaced by G.
Protein change: p.His533Arg; replaces histidine 533 with arginine.
Molecular consequence: missense variant. On other transcripts: non-coding transcript variant (1).
Genome position (GRCh38, 1-based): chr10:102,657,296, A>G. VCF-style: chr10-102657296-A-G. GRCh37 (hg19) VCF-style: chr10-104417053-A-G.
Other names: c.1502A>G, p.His501Arg (NM_001345950.1); short protein forms H533R, H501R.
Identifiers: ClinVar variation 3701961 (VCV003701961.2).